The following is an entry in ClinVar:

NM_001145308.5(LRTOMT):c.184C>T (p.Arg62Cys)

Genes: TOMT (transmembrane O-methyltransferase; plus strand), LRTOMT (leucine rich transmembrane and O-methyltransferase domain containing; plus strand). Cytogenetic location: 11q13.4.
Variant type: single nucleotide variant.
Coding change: c.184C>T on transcript NM_001145308.5; coding-DNA position 184, C replaced by T.
Protein change: p.Arg62Cys; replaces arginine 62 with cysteine.
Molecular consequence: missense variant. On other transcripts: intron variant (1).
Genome position (GRCh38, 1-based): chr11:72,106,036, C>T. VCF-style: chr11-72106036-C-T. GRCh37 (hg19) VCF-style: chr11-71817082-C-T.
Other names: c.85C>T, p.Arg29Cys (NM_001393500.2); c.184C>T, p.Arg62Cys (NM_001145309.4); c.84-20C>T (NM_001145310.4); short protein forms R29C, R62C.
Identifiers: ClinVar variation 1990238 (VCV001990238.6), dbSNP rs570774925, ClinGen allele CA6168573.
Genomic context (GRCh38, chr11:72,106,036, plus strand): 5'-TTCCTGCCACTGGTGGTAACATTGCTGGTGCGGTACCGGCACTACTTCCGATTGCTGGTG[C>T]GCACGGTCTTGCTGCGAAGCCTCCGAGACTGCCTGTCAGGGCTGCGGATCGAGGAGCGGG-3'

ClinVar aggregate classification (germline): Likely benign. Review status: criteria provided, single submitter (1 of 4 stars). 2 submissions from 2 submitters: Likely benign (1). 1 of the submissions does not count toward it. Last evaluated 2023-02-16.

Conditions:
LRTOMT-related disorder. Also called: LRTOMT-related condition.

Allele frequency attached by ClinVar (database versions not stated): gnomAD exomes 0.00004; gnomAD 0.00011; TOPMed 0.00013; ExAC 0.00015; 1000 Genomes Project 30x 0.00141; 1000 Genomes Project 0.00180.

Submissions (2):

Labcorp Genetics (formerly Invitae), Labcorp
Classification: Likely benign. Last evaluated: 2023-02-16. Review status: criteria provided, single submitter. Criteria: Invitae Variant Classification Sherloc (09022015). Collection method: clinical testing. Allele origin: germline.

PreventionGenetics, part of Exact Sciences
Classification: Likely benign for LRTOMT-related condition. Last evaluated: 2023-04-12. Review status: no assertion criteria provided. Collection method: clinical testing. Allele origin: germline. Not counted in ClinVar's aggregate classification.
Comment: This variant is classified as likely benign based on ACMG/AMP sequence variant interpretation guidelines (Richards et al. 2015 PMID: 25741868, with internal and published modifications).